The following is an entry in ClinVar:

ClinVar aggregate classification (germline): Uncertain significance (1 of 4 stars; one submission).

Conditions:
Hypertrophic cardiomyopathy. Also called: HYPERTROPHIC MYOCARDIOPATHY. Identifiers: Orphanet 217569, MedGen C0007194, MeSH D002312, MONDO:0005045, HP:0001639.

Allele frequency attached by ClinVar (database versions not stated): TOPMed 0.00002; gnomAD exomes 0.00003 and 0.00010; gnomAD 0.00004 and 0.00005; ExAC 0.00006; 1000 Genomes Project 0.00020; 1000 Genomes Project 30x 0.00031.
gnomAD v4.1: 66 of 1,613,514 alleles (0.0041%); highest among the groups gnomAD compares: African/African-American, 0.0027%; no homozygotes.

Submission:

Labcorp Genetics (formerly Invitae), Labcorp
Classification: Uncertain significance for Hypertrophic cardiomyopathy. Last evaluated: 2025-02-22. Review status: criteria provided, single submitter. Criteria: Invitae Variant Classification Sherloc (09022015). Collection method: clinical testing. Allele origin: germline.
Comment: This sequence change replaces threonine, which is neutral and polar, with alanine, which is neutral and non-polar, at codon 180 of the MYOM1 protein (p.Thr180Ala). This variant is present in population databases (rs553556385, gnomAD 0.2%), and has an allele count higher than expected for a pathogenic variant. This variant has not been reported in the literature in individuals affected with MYOM1-related conditions. ClinVar contains an entry for this variant (Variation ID: 861580). An algorithm developed to predict the effect of missense changes on protein structure and function outputs the following: PolyPhen-2: "Benign". The alanine amino acid residue is found in multiple mammalian species, which suggests that this missense change does not adversely affect protein function. In summary, the available evidence is currently insufficient to determine the role of this variant in disease. Therefore, it has been classified as a Variant of Uncertain Significance.

NM_003803.4(MYOM1):c.538A>G (p.Thr180Ala)

Gene: MYOM1 (myomesin 1; minus strand). Cytogenetic location: 18p11.31.
Variant type: single nucleotide variant.
Coding change: c.538A>G on transcript NM_003803.4 (MANE Select); coding-DNA position 538, A replaced by G.
Protein change: p.Thr180Ala; replaces threonine 180 with alanine.
Molecular consequence: missense variant.
Genome position (GRCh38, 1-based): chr18:3,188,981, T>C on the plus strand (A>G on the coding strand, the complement: MYOM1 is on the minus strand). VCF-style: chr18-3188981-T-C. GRCh37 (hg19) VCF-style: chr18-3188979-T-C.
Other names: c.538A>G, p.Thr180Ala (NM_019856.2); short protein forms T180A.
Identifiers: ClinVar variation 861580 (VCV000861580.10), dbSNP rs553556385, ClinGen allele CA8875225.
Genomic context (GRCh38, chr18:3,188,981, plus strand): 5'-TGGATGCCGTGGACTGCTTAGATGCCGTGGTCTGCTTGGATGCCGTGGACTGTTTAGATG[T>C]TGTGATTCCTTCCTCACTAGCAAGAAGATTCCTCTGGGCTATATAAGCAGCAGCTTCTTT-3'
Protein context (NP_003794.3, residues 170-190): NLLASEEGIT[Thr180Ala]SKQSTASKQT